The following is an entry in ClinVar:

ClinVar aggregate classification (germline): Uncertain significance (1 of 4 stars; one submission).

Conditions:
Congenital disorder of glycosylation type 1E (CDG1E). Also called: CONGENITAL DISORDER OF GLYCOSYLATION, TYPE Ie; CDG Ie. Identifiers: Orphanet 79322, MedGen C1837396, MONDO:0012123, OMIM 608799.

Allele frequency attached by ClinVar (database versions not stated): TOPMed 0.00002.
gnomAD v4.1: 19 of 1,611,596 alleles (0.0012%); highest among the groups gnomAD compares: Non-Finnish European, 0.0015%; no homozygotes.

Submission:

Labcorp Genetics (formerly Invitae), Labcorp
Classification: Uncertain significance for Congenital disorder of glycosylation type 1E. Last evaluated: 2022-07-06. Review status: criteria provided, single submitter. Criteria: Invitae Variant Classification Sherloc (09022015). Collection method: clinical testing. Allele origin: germline.
Comment: In summary, the available evidence is currently insufficient to determine the role of this variant in disease. Therefore, it has been classified as a Variant of Uncertain Significance. Algorithms developed to predict the effect of missense changes on protein structure and function are either unavailable or do not agree on the potential impact of this missense change (SIFT: "Tolerated"; PolyPhen-2: "Probably Damaging"; Align-GVGD: "Class C0"). ClinVar contains an entry for this variant (Variation ID: 639400). This variant has not been reported in the literature in individuals affected with DPM1-related conditions. This variant is present in population databases (no rsID available, gnomAD 0.004%). This sequence change replaces tyrosine, which is neutral and polar, with cysteine, which is neutral and slightly polar, at codon 58 of the DPM1 protein (p.Tyr58Cys).

NM_003859.3(DPM1):c.173A>G (p.Tyr58Cys)

Gene: DPM1 (dolichyl-phosphate mannosyltransferase subunit 1, catalytic; minus strand). Cytogenetic location: 20q13.13.
Variant type: single nucleotide variant.
Coding change: c.173A>G on transcript NM_003859.3 (MANE Select); coding-DNA position 173, A replaced by G.
Protein change: p.Tyr58Cys; replaces tyrosine 58 with cysteine.
Molecular consequence: missense variant. On other transcripts: non-coding transcript variant (1).
Genome position (GRCh38, 1-based): chr20:50,955,274, T>C on the plus strand (A>G on the coding strand, the complement: DPM1 is on the minus strand). VCF-style: chr20-50955274-T-C. GRCh37 (hg19) VCF-style: chr20-49571811-T-C.
Other names: c.173A>G, p.Tyr58Cys (NM_001317034.1, NM_001317035.1, NM_001317036.1); short protein forms Y58C.
Identifiers: ClinVar variation 639400 (VCV000639400.8), dbSNP rs1040795570, ClinGen allele CA408978772.